The following is an entry in ClinVar:

NM_014757.5(MAML1):c.1784C>T (p.Thr595Ile)

Gene: MAML1 (mastermind like transcriptional coactivator 1; plus strand). Cytogenetic location: 5q35.3.
Variant type: single nucleotide variant.
Coding change: c.1784C>T on transcript NM_014757.5 (MANE Select); coding-DNA position 1784, C replaced by T.
Protein change: p.Thr595Ile; replaces threonine 595 with isoleucine.
Molecular consequence: missense variant.
Genome position (GRCh38, 1-based): chr5:179,768,902, C>T. VCF-style: chr5-179768902-C-T. GRCh37 (hg19) VCF-style: chr5-179195903-C-T.
Other names: short protein forms T595I.
Identifiers: ClinVar variation 4871981 (VCV004871981.2).

ClinVar aggregate classification (germline): Likely benign (1 of 4 stars; one submission).

Submission:

CeGaT Center for Human Genetics Tuebingen
Classification: Likely benign. Last evaluated: 2026-06-01. Review status: criteria provided, single submitter. Criteria: CeGaT Center For Human Genetics Tuebingen Variant Classification Criteria Version 2. Collection method: clinical testing. Allele origin: germline. Affected: yes. Observed: 1 variant allele.
Comment: MAML1: BP4